The following is an entry in ClinVar:

ClinVar aggregate classification (germline): Uncertain significance (1 of 4 stars; one submission).

Conditions:
Hereditary nonpolyposis colorectal neoplasms. Identifiers: MedGen C0009405, MeSH D003123.

Allele frequency attached by ClinVar (database versions not stated): gnomAD exomes below 0.00001.
gnomAD v4.1: 1 of 1,610,484 alleles (0.000062%); highest among the groups gnomAD compares: Non-Finnish European, 0.000085%; no homozygotes.

Submission:

Labcorp Genetics (formerly Invitae), Labcorp
Classification: Uncertain significance for Hereditary nonpolyposis colorectal neoplasms. Last evaluated: 2025-11-25. Review status: criteria provided, single submitter. Criteria: Invitae Variant Classification Sherloc (09022015). Collection method: clinical testing. Allele origin: germline.
Comment: This sequence change replaces threonine, which is neutral and polar, with serine, which is neutral and polar, at codon 213 of the MSH6 protein (p.Thr213Ser). This variant is not present in population databases (gnomAD no frequency). This variant has not been reported in the literature in individuals affected with MSH6-related conditions. ClinVar contains an entry for this variant (Variation ID: 1371469). Invitae Evidence Modeling of protein sequence and biophysical properties (such as structural, functional, and spatial information, amino acid conservation, physicochemical variation, residue mobility, and thermodynamic stability) indicates that this missense variant is not expected to disrupt MSH6 protein function with a negative predictive value of 95%. In summary, the available evidence is currently insufficient to determine the role of this variant in disease. Therefore, it has been classified as a Variant of Uncertain Significance.

NM_000179.3(MSH6):c.638C>G (p.Thr213Ser)

Gene: MSH6 (mutS homolog 6; plus strand). Cytogenetic location: 2p16.3.
Variant type: single nucleotide variant.
Coding change: c.638C>G on transcript NM_000179.3 (MANE Select); coding-DNA position 638, C replaced by G.
Protein change: p.Thr213Ser; replaces threonine 213 with serine.
Molecular consequence: missense variant. On other transcripts: 5 prime UTR variant (2).
Genome position (GRCh38, 1-based): chr2:47,798,621, C>G. VCF-style: chr2-47798621-C-G. GRCh37 (hg19) VCF-style: chr2-48025760-C-G.
Other names: c.248C>G, p.Thr83Ser (NM_001281492.2); c.-269C>G (NM_001281493.2, NM_001281494.2); short protein forms T213S, T83S.
Identifiers: ClinVar variation 1371469 (VCV001371469.6), dbSNP rs2104287733, ClinGen allele CA346739243.